The following is an entry in ClinVar:

ClinVar aggregate classification (germline): Conflicting classifications of pathogenicity. Review status: criteria provided, conflicting classifications (1 of 4 stars). 6 submissions from 6 submitters: Uncertain significance (4); Likely benign (1). 1 of the submissions does not count toward it. Last evaluated 2023-11-01.

Conditions:
Spastic paraplegia. Identifiers: MedGen C0037772, HP:0001258.
Charlevoix-Saguenay spastic ataxia (SACS). Also called: SPASTIC ATAXIA 6, AUTOSOMAL RECESSIVE; AUTOSOMAL RECESSIVE SPASTIC ATAXIA OF CHARLEVOIX-SAGUENAY; Spastic ataxia of Charlevoix-Saguenay. Identifiers: Orphanet 98, MedGen C1849140, MONDO:0010041, OMIM 270550.

Allele frequency attached by ClinVar (database versions not stated): gnomAD 0.00001; gnomAD exomes 0.00001; TOPMed 0.00002.
gnomAD v4.1: 20 of 1,613,616 alleles (0.0012%); highest among the groups gnomAD compares: Middle Eastern, 0.016%; no homozygotes.

Submissions (6):

Labcorp Genetics (formerly Invitae), Labcorp
Classification: Likely benign for Spastic paraplegia. Last evaluated: 2023-11-01. Review status: criteria provided, single submitter. Criteria: Invitae Variant Classification Sherloc (09022015). Collection method: clinical testing. Allele origin: germline.

GeneDx
Classification: Uncertain significance. Last evaluated: 2022-05-27. Review status: criteria provided, single submitter. Criteria: GeneDx Variant Classification Process June 2021. Collection method: clinical testing. Allele origin: germline. Affected: yes.
Comment: Not observed at significant frequency in large population cohorts (gnomAD); In silico analysis supports that this missense variant does not alter protein structure/function; Has not been previously published as pathogenic or benign to our knowledge

Genome-Nilou Lab
Classification: Uncertain significance for Charlevoix-Saguenay spastic ataxia. Last evaluated: 2021-09-05. Review status: criteria provided, single submitter. Criteria: ACMG Guidelines, 2015. Collection method: clinical testing. Allele origin: germline. Affected: no.

Mayo Clinic Laboratories, Mayo Clinic
Classification: Uncertain significance. Last evaluated: 2020-05-01. Review status: criteria provided, single submitter. Criteria: ACMG Guidelines, 2015. Collection method: clinical testing. Allele origin: germline. Observed: 1 variant allele.

Athena Diagnostics
Classification: Uncertain significance. Last evaluated: 2020-03-03. Review status: criteria provided, single submitter. Criteria: Athena Diagnostics Criteria. Collection method: clinical testing. Allele origin: unknown.

Natera, Inc.
Classification: Uncertain significance for Charlevoix-Saguenay type spastic ataxia. Last evaluated: 2020-09-10. Review status: no assertion criteria provided. Collection method: clinical testing. Allele origin: germline. Not counted in ClinVar's aggregate classification.

NM_014363.6(SACS):c.7282A>G (p.Ile2428Val)

Gene: SACS (sacsin molecular chaperone; minus strand). Cytogenetic location: 13q12.12.
Variant type: single nucleotide variant.
Coding change: c.7282A>G on transcript NM_014363.6 (MANE Select); coding-DNA position 7282, A replaced by G.
Protein change: p.Ile2428Val; replaces isoleucine 2428 with valine.
Molecular consequence: missense variant.
Genome position (GRCh38, 1-based): chr13:23,336,594, T>C on the plus strand (A>G on the coding strand, the complement: SACS is on the minus strand). VCF-style: chr13-23336594-T-C. GRCh37 (hg19) VCF-style: chr13-23910733-T-C.
Other names: c.6841A>G, p.Ile2281Val (NM_001278055.2); short protein forms I2428V, I2281V.
Identifiers: ClinVar variation 586443 (VCV000586443.18), dbSNP rs1007936574, ClinGen allele CA246657061.